The following is an entry in ClinVar:

ClinVar aggregate classification (germline): Likely pathogenic (1 of 4 stars; one submission).

Conditions:
Charcot-Marie-Tooth disease type 2. Also called: Charcot-Marie-Tooth type 2. Identifiers: Orphanet 64746, MedGen C0270914, MONDO:0018993.

Submission:

Labcorp Genetics (formerly Invitae), Labcorp
Classification: Likely pathogenic for Charcot-Marie-Tooth disease type 2. Last evaluated: 2020-03-04. Review status: criteria provided, single submitter. Criteria: Invitae Variant Classification Sherloc (09022015). Collection method: clinical testing. Allele origin: germline.
Comment: This variant is a gross duplication of the genomic region encompassing exons 4-6of the MFN2 gene. While the exact position of the duplicated exons cannot be determined from this data, sub-genic duplications are generally in tandem (PMID: 25640679) and may result in an absent or disrupted protein product. This variant has not been reported in the literature in individuals with MFN2-related disease. Loss-of-function variants in MFN2 are known to be pathogenic (PMID: 16714318, 21715711, 26955893). In summary, the currently available evidence indicates that the variant is pathogenic, but additional data are needed to prove that conclusively. Therefore, this variant has been classified as Likely Pathogenic.

Literature cited by the submitters: PubMed 25640679; PubMed 16714318; PubMed 21715711; PubMed 26955893.

NC_000001.10:g.(?_12052602)_(12057488_?)dup

Gene: MFN2 (mitofusin 2; plus strand). Cytogenetic location: 1p36.22.
Variant type: Duplication.
Identifiers: ClinVar variation 1067379 (VCV001067379.1).